The following is an entry in ClinVar:

NM_006904.7(PRKDC):c.703A>C (p.Thr235Pro)

Gene: PRKDC (protein kinase, DNA-activated, catalytic subunit; minus strand). Cytogenetic location: 8q11.21.
Variant type: single nucleotide variant.
Coding change: c.703A>C on transcript NM_006904.7 (MANE Select); coding-DNA position 703, A replaced by C.
Protein change: p.Thr235Pro; replaces threonine 235 with proline.
Molecular consequence: missense variant.
Genome position (GRCh38, 1-based): chr8:47,953,638, T>G on the plus strand (A>C on the coding strand, the complement: PRKDC is on the minus strand). VCF-style: chr8-47953638-T-G. GRCh37 (hg19) VCF-style: chr8-48866198-T-G.
Other names: c.703A>C, p.Thr235Pro (NM_001081640.2); short protein forms T235P.
Identifiers: ClinVar variation 1956941 (VCV001956941.6), dbSNP rs763571499, ClinGen allele CA4741956.
Genomic context (GRCh38, chr8:47,953,638, plus strand): 5'-ACAGTTTTTGAATAAAGAAAATCAAGTGAAGCCAAGCAATACCTTCTTCCATGGACTTAG[T>G]GAAGTTGCACAGAAGTGAGGACAACCCCTTCAGACATCCTGCCAGAACAGGTAGTTTGGG-3'
Protein context (NP_008835.5, residues 225-245): KGLSSLLCNF[Thr235Pro]KSMEEDPQTS

ClinVar aggregate classification (germline): Uncertain significance. Review status: criteria provided, multiple submitters, no conflicts (2 of 4 stars). 2 submissions from 2 submitters: Uncertain significance (2). Last evaluated 2024-11-05.

Conditions:
Severe combined immunodeficiency due to DNA-PKcs deficiency. Also called: IMMUNODEFICIENCY 26 WITH NEUROLOGIC ABNORMALITIES; Immunodeficiency 26 with or without neurologic abnormalities. Identifiers: Orphanet 317425, MedGen C4014833, MONDO:0014423, OMIM 615966.

Allele frequency attached by ClinVar (database versions not stated): ExAC 0.00001.
gnomAD v4.1: 1 of 1,613,204 alleles (0.000062%); highest among the groups gnomAD compares: Admixed American, 0.0017%; no homozygotes.

Submissions (2):

Labcorp Genetics (formerly Invitae), Labcorp
Classification: Uncertain significance for Severe combined immunodeficiency due to DNA-PKcs deficiency. Last evaluated: 2024-11-05. Review status: criteria provided, single submitter. Criteria: Invitae Variant Classification Sherloc (09022015). Collection method: clinical testing. Allele origin: germline.
Comment: This sequence change replaces threonine, which is neutral and polar, with proline, which is neutral and non-polar, at codon 235 of the PRKDC protein (p.Thr235Pro). This variant is present in population databases (rs763571499, gnomAD 0.003%). This variant has not been reported in the literature in individuals affected with PRKDC-related conditions. ClinVar contains an entry for this variant (Variation ID: 1956941). Invitae Evidence Modeling of protein sequence and biophysical properties (such as structural, functional, and spatial information, amino acid conservation, physicochemical variation, residue mobility, and thermodynamic stability) indicates that this missense variant is not expected to disrupt PRKDC protein function with a negative predictive value of 80%. In summary, the available evidence is currently insufficient to determine the role of this variant in disease. Therefore, it has been classified as a Variant of Uncertain Significance.

Ambry Genetics
Classification: Uncertain significance. Last evaluated: 2024-04-27. Review status: criteria provided, single submitter. Criteria: Ambry Variant Classification Scheme 2023. Collection method: clinical testing. Allele origin: germline.
Comment: The p.T235P variant (also known as c.703A>C), located in coding exon 7 of the PRKDC gene, results from an A to C substitution at nucleotide position 703. The threonine at codon 235 is replaced by proline, an amino acid with highly similar properties. This amino acid position is conserved. In addition, the in silico prediction for this alteration is inconclusive. Based on the available evidence, the clinical significance of this variant remains unclear.